The following is an entry in ClinVar:

ClinVar aggregate classification (germline): Uncertain significance (1 of 4 stars; one submission).

Conditions:
Inborn genetic diseases. Identifiers: MedGen C0950123, MeSH D030342.

gnomAD v4.1: 1 of 1,614,144 alleles (0.000062%); highest among the groups gnomAD compares: South Asian, 0.0011%; no homozygotes.

Submission:

Ambry Genetics
Classification: Uncertain significance for Inborn genetic diseases. Last evaluated: 2025-10-11. Review status: criteria provided, single submitter. Criteria: Ambry Variant Classification Scheme 2023. Collection method: clinical testing. Allele origin: germline.
Comment: The p.E806Q variant (also known as c.2416G>C), located in coding exon 8 of the MECOM gene, results from a G to C substitution at nucleotide position 2416. The glutamic acid at codon 806 is replaced by glutamine, an amino acid with highly similar properties. This amino acid position is conserved. In addition, this alteration is predicted to be tolerated by in silico analysis. Based on the available evidence, the clinical significance of this variant remains unclear.

NM_004991.4(MECOM):c.2416G>C (p.Glu806Gln)

Gene: MECOM (MDS1 and EVI1 complex locus; minus strand). Cytogenetic location: 3q26.2.
Variant type: single nucleotide variant.
Coding change: c.2416G>C on transcript NM_004991.4 (MANE Select); coding-DNA position 2416, G replaced by C.
Protein change: p.Glu806Gln; replaces glutamic acid 806 with glutamine.
Molecular consequence: missense variant.
Genome position (GRCh38, 1-based): chr3:169,115,456, C>G on the plus strand (G>C on the coding strand, the complement: MECOM is on the minus strand). VCF-style: chr3-169115456-C-G. GRCh37 (hg19) VCF-style: chr3-168833244-C-G.
Other names: c.2047G>C, p.Glu683Gln (NM_001105077.4); c.1852G>C, p.Glu618Gln (NM_001105078.4, NM_001164000.2, NM_001205194.2 and 4 more transcripts); c.1855G>C, p.Glu619Gln (NM_001163999.2, NM_001366467.2, NM_001366468.2 and 1 more transcripts); c.2416G>C, p.Glu806Gln (NM_001366466.2); c.1444G>C, p.Glu482Gln (NM_001366473.2); c.880G>C, p.Glu294Gln (NM_001366474.2); short protein forms E482Q, E618Q, E683Q, E294Q, E619Q, E806Q.
Identifiers: ClinVar variation 4624639 (VCV004624639.1).